The following is an entry in ClinVar:

ClinVar aggregate classification (germline): Pathogenic (1 of 4 stars; one submission).

Submission:

Labcorp Genetics (formerly Invitae), Labcorp
Classification: Pathogenic. Last evaluated: 2025-03-17. Review status: criteria provided, single submitter. Criteria: Invitae Variant Classification Sherloc (09022015). Collection method: clinical testing. Allele origin: germline.
Comment: This sequence change creates a premature translational stop signal (p.Ser341Argfs*6) in the NXN gene. It is expected to result in an absent or disrupted protein product. Loss-of-function variants in NXN are known to be pathogenic (PMID: 29276006, 33048444). This variant is not present in population databases (gnomAD no frequency). This variant has not been reported in the literature in individuals affected with NXN-related conditions. ClinVar contains an entry for this variant (Variation ID: 2747957). For these reasons, this variant has been classified as Pathogenic.

Literature cited by the submitters: PubMed 29276006; PubMed 33048444.

NM_022463.5(NXN):c.1021_1024del (p.Ser341fs)

Gene: NXN (nucleoredoxin; minus strand). Cytogenetic location: 17p13.3.
Variant type: Deletion.
Coding change: c.1021_1024del on transcript NM_022463.5 (MANE Select); coding-DNA positions 1021 to 1024, 4 bases deleted (TCCG; older notation c.1021_1024delTCCG).
Protein change: p.Ser341fs; shifts the reading frame from serine 341.
Molecular consequence: frameshift variant.
Genome position (GRCh38, 1-based): chr17:803,783-803,786, CGGA deleted on the plus strand (TCCG on the coding strand, the reverse complement: NXN is on the minus strand); deleting any 4 consecutive bases within chr17:803,783-803,787 gives the same sequence; the c. name uses the placement nearest the transcript's 3' end. VCF-style (leftmost placement, unchanged base first): chr17-803782-TCGGA-T. GRCh37 (hg19) VCF-style: chr17-707022-TCGGA-T.
Other names: c.697_700del, p.Ser233fs (NM_001205319.1); short protein forms S341fs, S233fs.
Identifiers: ClinVar variation 2747957 (VCV002747957.3), dbSNP rs2544698218, ClinGen allele CA2697556094.